The following is an entry in ClinVar:

NM_014846.4(WASHC5):c.2257C>T (p.Arg753Cys)

Gene: WASHC5 (WASH complex subunit 5; minus strand). Cytogenetic location: 8q24.13.
Variant type: single nucleotide variant.
Coding change: c.2257C>T on transcript NM_014846.4 (MANE Select); coding-DNA position 2257, C replaced by T.
Protein change: p.Arg753Cys; replaces arginine 753 with cysteine.
Molecular consequence: missense variant.
Genome position (GRCh38, 1-based): chr8:125,049,128, G>A on the plus strand (C>T on the coding strand, the complement: WASHC5 is on the minus strand). VCF-style: chr8-125049128-G-A. GRCh37 (hg19) VCF-style: chr8-126061370-G-A.
Other names: c.1813C>T, p.Arg605Cys (NM_001330609.2); short protein forms R605C, R753C.
Identifiers: ClinVar variation 1030373 (VCV001030373.1), dbSNP rs780719370, ClinGen allele CA4873567.

ClinVar aggregate classification (germline): Uncertain significance (1 of 4 stars; one submission).

Conditions:
Ritscher-Schinzel syndrome 1 (RTSC1). Identifiers: Orphanet 7, MedGen C4551776, MONDO:0009073, OMIM 220210.

Allele frequency attached by ClinVar (database versions not stated): gnomAD exomes below 0.00001 and 0.00001; ExAC 0.00001; TOPMed 0.00002; gnomAD 0.00003.
gnomAD v4.1: 18 of 1,613,802 alleles (0.0011%); highest among the groups gnomAD compares: African/African-American, 0.0067%; no homozygotes.

Submission:

Baylor Genetics
Classification: Uncertain significance for Ritscher-Schinzel syndrome 1. Last evaluated: 2019-08-02. Review status: criteria provided, single submitter. Criteria: ACMG Guidelines, 2015. Collection method: clinical testing. Allele origin: unknown. Affected: yes.
Comment: This variant was determined to be of uncertain significance according to ACMG Guidelines, 2015 [PMID:25741868].